The following is an entry in ClinVar:

ClinVar aggregate classification (germline): Likely benign (1 of 4 stars; one submission).

gnomAD v4.1: 55 of 1,609,570 alleles (0.0034%); highest among the groups gnomAD compares: African/African-American, 0.059%; no homozygotes.

Submission:

Mayo Clinic Laboratories, Mayo Clinic
Classification: Likely benign. Last evaluated: 2025-03-31. Review status: criteria provided, single submitter. Criteria: ACMG Guidelines, 2015. Collection method: clinical testing. Allele origin: germline. Observed: 1 variant allele.
Comment: BP4, BP7

NM_005908.4(MANBA):c.2015-21G>C

Gene: MANBA (mannosidase beta; minus strand). Cytogenetic location: 4q24.
Variant type: single nucleotide variant.
Coding change: c.2015-21G>C on transcript NM_005908.4 (MANE Select); 21 bases into the intron before coding-DNA position 2015, G replaced by C.
Molecular consequence: intron variant.
Genome position (GRCh38, 1-based): chr4:102,636,028, C>G on the plus strand (G>C on the coding strand, the complement: MANBA is on the minus strand). VCF-style: chr4-102636028-C-G. GRCh37 (hg19) VCF-style: chr4-103557185-C-G.
Other names: p.?.
Identifiers: ClinVar variation 4684793 (VCV004684793.1).